The following is an entry in ClinVar:

ClinVar aggregate classification (germline): Likely benign (1 of 4 stars; one submission).

Conditions:
Macular corneal dystrophy (MCD). Also called: GROENOUW TYPE II CORNEAL DYSTROPHY; Macular corneal dystrophy Type I. Identifiers: Orphanet 98969, MedGen C1636149, MONDO:0009020, OMIM 217800.

Allele frequency attached by ClinVar (database versions not stated): TOPMed 0.00068; 1000 Genomes Project 30x 0.00156; 1000 Genomes Project 0.00160.

Submission:

Illumina Laboratory Services, Illumina
Classification: Likely benign for Macular corneal dystrophy. Last evaluated: 2018-01-13. Review status: criteria provided, single submitter. Criteria: ICSL Variant Classification Criteria 13 December 2019. Collection method: clinical testing. Allele origin: germline.
Comment: This variant was observed in the ICSL laboratory as part of a predisposition screen in an ostensibly healthy population. It had not been previously curated by ICSL or reported in the Human Gene Mutation Database (HGMD: prior to June 1st, 2018), and was therefore a candidate for classification through an automated scoring system. Utilizing variant allele frequency, disease prevalence and penetrance estimates, and inheritance mode, an automated score was calculated to assess if this variant is too frequent to cause the disease. Based on the score and internal cut-off values, a variant classified as likely benign is not then subjected to further curation. The score for this variant resulted in a classification of likely benign for this disease.

NM_021615.5(CHST6):c.*3364C>A

Gene: CHST6 (carbohydrate sulfotransferase 6; minus strand). Cytogenetic location: 16q23.1.
Variant type: single nucleotide variant.
Coding change: c.*3364C>A on transcript NM_021615.5 (MANE Select); 3364 bases downstream of the stop codon, C replaced by A.
Molecular consequence: 3 prime UTR variant.
Genome position (GRCh38, 1-based): chr16:75,475,277, G>T on the plus strand (C>A on the coding strand, the complement: CHST6 is on the minus strand). VCF-style: chr16-75475277-G-T. GRCh37 (hg19) VCF-style: chr16-75509175-G-T.
Identifiers: ClinVar variation 320538 (VCV000320538.5), dbSNP rs189970730, ClinGen allele CA10648958.
Genomic context (GRCh38, chr16:75,475,277, plus strand): 5'-ATCACAGCAGAGCCCCAGCTGAAAACCTAAGACAGGTGGAGGTAAAGTTTTGCTTCCAAG[G>T]CCTATGCTTCAAACTGGCTCACAGGAAGTTGCACTACACTTGTCTACAGGACAAAGCAAG-3'